The following is an entry in ClinVar:

ClinVar aggregate classification (germline): Uncertain significance. Review status: criteria provided, multiple submitters, no conflicts (2 of 4 stars). 2 submissions from 2 submitters: Uncertain significance (2). Last evaluated 2025-04-25.

Conditions:
Inborn genetic diseases. Identifiers: MedGen C0950123, MeSH D030342.

Allele frequency attached by ClinVar (database versions not stated): ExAC 0.00001; gnomAD exomes 0.00001; TOPMed 0.00001.
gnomAD v4.1: 21 of 1,613,466 alleles (0.0013%); highest among the groups gnomAD compares: South Asian, 0.022%; no homozygotes.

Submissions (2):

Ambry Genetics
Classification: Uncertain significance for Inborn genetic diseases. Last evaluated: 2025-04-25. Review status: criteria provided, single submitter. Criteria: Ambry Variant Classification Scheme 2023. Collection method: clinical testing. Allele origin: germline.

Labcorp Genetics (formerly Invitae), Labcorp
Classification: Uncertain significance. Last evaluated: 2024-01-29. Review status: criteria provided, single submitter. Criteria: Invitae Variant Classification Sherloc (09022015). Collection method: clinical testing. Allele origin: germline.
Comment: This sequence change replaces aspartic acid, which is acidic and polar, with glycine, which is neutral and non-polar, at codon 268 of the ELOVL5 protein (p.Asp268Gly). This variant is present in population databases (rs775550239, gnomAD 0.01%). This variant has not been reported in the literature in individuals affected with ELOVL5-related conditions. ClinVar contains an entry for this variant (Variation ID: 1937419). Algorithms developed to predict the effect of missense changes on protein structure and function output the following: SIFT: "Not Available"; PolyPhen-2: "Benign"; Align-GVGD: "Not Available". The glycine amino acid residue is found in multiple mammalian species, which suggests that this missense change does not adversely affect protein function. In summary, the available evidence is currently insufficient to determine the role of this variant in disease. Therefore, it has been classified as a Variant of Uncertain Significance.

NM_021814.5(ELOVL5):c.803A>G (p.Asp268Gly)

Gene: ELOVL5 (ELOVL fatty acid elongase 5; minus strand). Cytogenetic location: 6p12.1.
Variant type: single nucleotide variant.
Coding change: c.803A>G on transcript NM_021814.5 (MANE Select); coding-DNA position 803, A replaced by G.
Protein change: p.Asp268Gly; replaces aspartic acid 268 with glycine.
Molecular consequence: missense variant. On other transcripts: synonymous variant (1).
Genome position (GRCh38, 1-based): chr6:53,269,224, T>C on the plus strand (A>G on the coding strand, the complement: ELOVL5 is on the minus strand). VCF-style: chr6-53269224-T-C. GRCh37 (hg19) VCF-style: chr6-53134022-T-C.
Other names: c.884A>G (NM_001242828.1); c.884A>G, p.Asp295Gly (NM_001242828.2); c.678A>G, p.Gly226= (NM_001242830.2); c.803A>G, p.Asp268Gly (NM_001301856.2); short protein forms D295G, D268G.
Identifiers: ClinVar variation 1937419 (VCV001937419.6), dbSNP rs775550239, ClinGen allele CA3859613.